The following is an entry in ClinVar:

ClinVar aggregate classification (germline): Pathogenic/Likely pathogenic. Review status: criteria provided, multiple submitters, no conflicts (2 of 4 stars). 2 submissions from 2 submitters: Pathogenic (1); Likely pathogenic (1). Last evaluated 2025-01-06.

Conditions:
Hypertrophic cardiomyopathy 9. Also called: Familial hypertrophic cardiomyopathy 9. Identifiers: MedGen C1861065, MONDO:0013412, OMIM 613765.
Dilated cardiomyopathy 1G (CMD1G). Identifiers: Orphanet 154, MedGen C1858763, MONDO:0011400, OMIM 604145.

Submissions (2):

New York Genome Center
Classification: Likely pathogenic for Dilated cardiomyopathy 1G; Hypertrophic cardiomyopathy 9. Last evaluated: 2025-01-06. Review status: criteria provided, single submitter. Criteria: NYGC Assertion Criteria 2020. Collection method: clinical testing. Allele origin: inherited. Observed: 1 variant allele, 1 heterozygote.
Comment: The c.99052C>T variant in TTN has not previously been reported in the literature; it has been deposited in ClinVar (ID: 2498848) as Likely pathogenic with affected status provided. The c.99052C>T variant is absent from the population databases (gnomAD v4.1.0, TOPMed Freeze 10, All of Us), suggesting it is not a common benign variant in the populations represented in those databases. The c.99052C>T variant in TTN is located in exon 354 of this 363-exon gene, within A-band, and is expected to result in loss-of-function either through protein truncation or nonsense-mediated decay upon incorporation of a premature translation termination codon [p.(Gln33018Ter)]. Predicted loss-of-function variants upstream and downstream to the c.99052C>T variant have been reported in the literature (PMID: 32596782) and ClinVar in individuals with TTN-related cardiomyopathy. Based on available evidence this inherited heterozygous c.99052C>T, p.(Gln33018Ter) variant identified in TTN is classified as Likely Pathogenic.

CeGaT Center for Human Genetics Tuebingen
Classification: Pathogenic. Last evaluated: 2023-03-01. Review status: criteria provided, single submitter. Criteria: CeGaT Center For Human Genetics Tuebingen Variant Classification Criteria Version 2. Collection method: clinical testing. Allele origin: germline. Affected: yes. Observed: 1 variant allele.
Comment: TTN: PVS1, PM2

NM_001267550.2(TTN):c.99052C>T (p.Gln33018Ter)

Genes: TTN (titin; minus strand), TTN-AS1 (TTN antisense RNA 1; plus strand). Cytogenetic location: 2q31.2.
Variant type: single nucleotide variant.
Coding change: c.99052C>T on transcript NM_001267550.2 (MANE Select); coding-DNA position 99052, C replaced by T.
Protein change: p.Gln33018Ter; replaces glutamine 33018 with a stop codon.
Molecular consequence: nonsense. On other transcripts: non-coding transcript variant (1).
Genome position (GRCh38, 1-based): chr2:178,538,777, G>A on the plus strand (C>T on the coding strand, the complement: TTN is on the minus strand). VCF-style: chr2-178538777-G-A. GRCh37 (hg19) VCF-style: chr2-179403504-G-A.
Other names: c.94129C>T, p.Gln31377Ter (NM_001256850.1); c.71857C>T, p.Gln23953Ter (NM_003319.4); c.91348C>T, p.Gln30450Ter (NM_133378.4); c.72232C>T, p.Gln24078Ter (NM_133432.3); c.72433C>T, p.Gln24145Ter (NM_133437.4); short protein forms Q23953*, Q24078*, Q24145*, Q30450*, Q31377*, Q33018*.
Identifiers: ClinVar variation 2498848 (VCV002498848.29), dbSNP rs1384790834, ClinGen allele CA349431063.